The following is an entry in ClinVar:

ClinVar aggregate classification (germline): Likely pathogenic (1 of 4 stars; one submission).

Conditions:
INS-related disorder. Also called: INS-related condition.

Submission:

PreventionGenetics, part of Exact Sciences
Classification: Likely pathogenic for INS-related condition. Last evaluated: 2023-07-19. Review status: criteria provided, single submitter. Criteria: ACMG Guidelines, 2015. Collection method: clinical testing. Allele origin: germline.
Comment: The INS c.284G>A variant is predicted to result in the amino acid substitution p.Cys95Tyr. This variant has been reported to have arised de novo in an individual with permanent neonatal diabetes (Colombo et al 2008. PubMed ID: 18451997). It has also been reported in the heterozygous state in a family of two siblings as well as their father who were all diagnosed with permanent neonatal diabetes (Fredheim et al. 2011. PubMed ID: 23074673). This variant disrupts the A6-A11 disulfide bridge. Functional studies showed that this variant results in improper disulfide bonds with little to no secretion of proinsulin and an increase in the number of apoptotic cells (Colombo et al 2008. PubMed ID: 18451997). This variant has not been reported in a large population database, indicating this variant is rare. This variant is interpreted as likely pathogenic.

NM_000207.3(INS):c.284G>A (p.Cys95Tyr)

Genes: INS (insulin; minus strand), INS-IGF2 (INS-IGF2 readthrough; minus strand). Cytogenetic location: 11p15.5.
Variant type: single nucleotide variant.
Coding change: c.284G>A on transcript NM_000207.3 (MANE Select); coding-DNA position 284, G replaced by A.
Protein change: p.Cys95Tyr; replaces cysteine 95 with tyrosine.
Molecular consequence: missense variant. On other transcripts: intron variant (1).
Genome position (GRCh38, 1-based): chr11:2,159,901, C>T on the plus strand (G>A on the coding strand, the complement: INS is on the minus strand). VCF-style: chr11-2159901-C-T. GRCh37 (hg19) VCF-style: chr11-2181131-C-T.
Other names: c.284G>A, p.Cys95Tyr (NM_001185097.2, NM_001185098.2, NM_001291897.2); c.187+884G>A (NM_001042376.3); short protein forms C95Y.
Identifiers: ClinVar variation 2631502 (VCV002631502.1), dbSNP rs2495746594, ClinGen allele CA379120867.
Genomic context (GRCh38, chr11:2,159,901, plus strand): 5'-GCGGGCTGCGTCTAGTTGCAGTAGTTCTCCAGCTGGTAGAGGGAGCAGATGCTGGTACAG[C>T]ATTGTTCCACAATGCCACGCTTCTGCAGGGACCCCTCCAGGGCCAAGGGCTGCAGGCTGC-3'
Protein context (NP_000198.1, residues 85-105): SLQKRGIVEQ[Cys95Tyr]CTSICSLYQL